The following is an entry in ClinVar:

ClinVar aggregate classification (germline): Uncertain significance (1 of 4 stars; one submission).

Allele frequency attached by ClinVar (database versions not stated): gnomAD 0.00003; gnomAD exomes 0.00003; ExAC 0.00006; TOPMed 0.00006.
gnomAD v4.1: 51 of 1,613,996 alleles (0.0032%); highest among the groups gnomAD compares: Admixed American, 0.018%; no homozygotes.

Submission:

Labcorp Genetics (formerly Invitae), Labcorp
Classification: Uncertain significance. Last evaluated: 2024-04-06. Review status: criteria provided, single submitter. Criteria: Invitae Variant Classification Sherloc (09022015). Collection method: clinical testing. Allele origin: germline.
Comment: This sequence change replaces arginine, which is basic and polar, with histidine, which is basic and polar, at codon 305 of the DSTYK protein (p.Arg305His). This variant is present in population databases (rs756636882, gnomAD 0.02%). This variant has not been reported in the literature in individuals affected with DSTYK-related conditions. Algorithms developed to predict the effect of missense changes on protein structure and function output the following: SIFT: "Not Available"; PolyPhen-2: "Benign"; Align-GVGD: "Not Available". The histidine amino acid residue is found in multiple mammalian species, which suggests that this missense change does not adversely affect protein function. In summary, the available evidence is currently insufficient to determine the role of this variant in disease. Therefore, it has been classified as a Variant of Uncertain Significance.

NM_015375.3(DSTYK):c.914G>A (p.Arg305His)

Gene: DSTYK (dual serine/threonine and tyrosine protein kinase; minus strand). Cytogenetic location: 1q32.1.
Variant type: single nucleotide variant.
Coding change: c.914G>A on transcript NM_015375.3 (MANE Select); coding-DNA position 914, G replaced by A.
Protein change: p.Arg305His; replaces arginine 305 with histidine.
Molecular consequence: missense variant.
Genome position (GRCh38, 1-based): chr1:205,169,573, C>T on the plus strand (G>A on the coding strand, the complement: DSTYK is on the minus strand). VCF-style: chr1-205169573-C-T. GRCh37 (hg19) VCF-style: chr1-205138701-C-T.
Other names: c.914G>A, p.Arg305His (NM_199462.3); short protein forms R305H.
Identifiers: ClinVar variation 2920185 (VCV002920185.3), dbSNP rs756636882, ClinGen allele CA1352937.